The following is an entry in ClinVar:

NM_003482.4(KMT2D):c.6440C>T (p.Ala2147Val)

Gene: KMT2D (lysine methyltransferase 2D; minus strand). Cytogenetic location: 12q13.12.
Variant type: single nucleotide variant.
Coding change: c.6440C>T on transcript NM_003482.4 (MANE Select); coding-DNA position 6440, C replaced by T.
Protein change: p.Ala2147Val; replaces alanine 2147 with valine.
Molecular consequence: missense variant.
Genome position (GRCh38, 1-based): chr12:49,041,330, G>A on the plus strand (C>T on the coding strand, the complement: KMT2D is on the minus strand). VCF-style: chr12-49041330-G-A. GRCh37 (hg19) VCF-style: chr12-49435113-G-A.
Other names: c.6440C>T (NM_003482.3); short protein forms A2147V.
Identifiers: ClinVar variation 992526 (VCV000992526.15), dbSNP rs764604229, ClinGen allele CA6547266.
Genomic context (GRCh38, chr12:49,041,330, plus strand): 5'-ACCTGGGGTGGGAGCTTGAGGAAGAGCTCACCAGGCGAGTCAGGGCCAGGCACCGAGCCC[G>A]CCGGCGGCTTCAGGAACCCGTCCGCAGAGGTAGACAAGCCGGCGGGGGTAGTGGGGCTGC-3'
Protein context (NP_003473.3, residues 2137-2157): TSADGFLKPP[Ala2147Val]GSVPGPDSPG

ClinVar aggregate classification (germline): Conflicting classifications of pathogenicity. Review status: criteria provided, conflicting classifications (1 of 4 stars). 7 submissions from 6 submitters: Uncertain significance (4); Benign (1); Likely benign (1). 1 of the submissions does not count toward it. Last evaluated 2026-01-19.

Conditions:
Kabuki syndrome 1 (KABUK1). Also called: KMT2D-Related Kabuki Syndrome. Identifiers: Orphanet 2322, MedGen CN030661, MONDO:0007843, OMIM 147920.
Choanal atresia-athelia-hypothyroidism-delayed puberty-short stature syndrome (BCAHH). Also called: BRANCHIAL ARCH ABNORMALITIES, CHOANAL ATRESIA, ATHELIA, HEARING LOSS, AND HYPOTHYROIDISM SYNDROME. Identifiers: Orphanet 589856, MedGen C5680310, MONDO:0035651, OMIM 620186.
Kabuki syndrome. Also called: NIIKAWA-KUROKI SYNDROME; Kabuki make-up syndrome. Identifiers: Orphanet 2322, MedGen C0796004, MONDO:0016512.
KMT2D-related disorder. Also called: KMT2D-Related Disorders.

Allele frequency attached by ClinVar (database versions not stated): TOPMed 0.00003; gnomAD exomes 0.00004 and 0.00003; ExAC 0.00002; gnomAD 0.00003.
gnomAD v4.1: 39 of 1,542,016 alleles (0.0025%); highest among the groups gnomAD compares: Middle Eastern, 0.017%; no homozygotes.

Submissions (7):

Women's Health and Genetics/Laboratory Corporation of America, LabCorp
Classification: Uncertain significance. Last evaluated: 2026-01-19. Review status: criteria provided, single submitter. Criteria: LabCorp Variant Classification Summary - May 2015. Collection method: clinical testing. Allele origin: germline.
Comment: Variant summary: KMT2D c.6440C>T (p.Ala2147Val) results in a non-conservative amino acid change in the encoded protein sequence. Algorithms developed to predict the effect of missense changes on protein structure and function are either unavailable or do not agree on the potential impact of this missense change. The variant allele was found at a frequency of 3.6e-05 in 166450 control chromosomes. The available data on variant occurrences in the general population are insufficient to allow any conclusion about variant significance. To our knowledge, no occurrence of c.6440C>T in individuals affected with KMT2D-related conditions and no experimental evidence demonstrating its impact on protein function have been reported. ClinVar contains an entry for this variant (Variation ID: 992526). Based on the evidence outlined above, the variant was classified as uncertain significance.

Labcorp Genetics (formerly Invitae), Labcorp
Classification: Benign for Kabuki syndrome. Last evaluated: 2025-05-30. Review status: criteria provided, single submitter. Criteria: Invitae Variant Classification Sherloc (09022015). Collection method: clinical testing. Allele origin: germline.

Fulgent Genetics
Classification: Likely benign for Kabuki syndrome 1; Choanal atresia-athelia-hypothyroidism-delayed puberty-short stature syndrome. Last evaluated: 2024-05-03. Review status: criteria provided, single submitter. Criteria: ACMG Guidelines, 2015. Collection method: clinical testing. Allele origin: germline.

Department of Pathology and Laboratory Medicine, Sinai Health System
Classification: Uncertain significance for Kabuki syndrome 1; Choanal atresia-athelia-hypothyroidism-delayed puberty-short stature syndrome. Last evaluated: 2021-07-30. Review status: criteria provided, single submitter. Criteria: ACMG Guidelines, 2015. Collection method: research. Allele origin: germline.

Center for Genomics, Ann and Robert H. Lurie Children's Hospital of Chicago
Classification: Uncertain significance for Kabuki syndrome 1. Last evaluated: 2020-05-20. Review status: criteria provided, single submitter. Criteria: ACMG Guidelines, 2015. Collection method: clinical testing. Allele origin: germline.
Comment: KMT2D NM_003482.3 exon 31 p.Ala2147Val (c.6640C>T): This variant has been reported in the literature in one individual with Kabuki syndrome (Faundes 2019 PMID:30459467). This variant is also present in 0.01% (2/11390) of African alleles in the Genome Aggregation Database. This variant amino acid Valine (Val) is present in several species including the chinese tree shrew, squirrel, cat, and shrew, and it is not well conserved among evolutionarily distant species; this suggests that this variant may not impact the protein. Additional computational prediction tools do not suggest an impact. In summary, data on this variant is insufficient for disease classification. Therefore, the clinical significance of this variant is uncertain.

Center for Genomics, Ann and Robert H. Lurie Children's Hospital of Chicago
Classification: Uncertain significance for Choanal atresia-athelia-hypothyroidism-delayed puberty-short stature syndrome; Kabuki syndrome 1. Review status: criteria provided, single submitter. Criteria: ACMG Guidelines, 2015. Collection method: clinical testing. Allele origin: germline.
Comment: the same text as in the submission from Center for Genomics, Ann and Robert H. Lurie Children's Hospital of Chicago above.

PreventionGenetics, part of Exact Sciences
Classification: Uncertain significance for KMT2D-related condition. Last evaluated: 2023-11-21. Review status: no assertion criteria provided. Collection method: clinical testing. Allele origin: germline. Not counted in ClinVar's aggregate classification.
Comment: The KMT2D c.6440C>T variant is predicted to result in the amino acid substitution p.Ala2147Val. This variant has been reported in large cohort study of Kabuki syndrome (Table S3 in Faundes et al. 2019. PubMed ID: 30459467). This variant is reported in 0.018% of alleles in individuals of African descent in gnomAD, which may be too common to be a primary cause of disease. Although we suspect that this variant may be benign, at this time, the clinical significance of this variant is uncertain due to the absence of conclusive functional and genetic evidence.